The following is an entry in ClinVar:

ClinVar aggregate classification (germline): Uncertain significance. Review status: criteria provided, multiple submitters, no conflicts (2 of 4 stars). 3 submissions from 3 submitters: Uncertain significance (3). Last evaluated 2025-10-14.

Conditions:
Heterotopia, periventricular, X-linked dominant (PVNH1). Also called: PERIVENTRICULAR NODULAR HETEROTOPIA 4; HETEROTOPIA, PERIVENTRICULAR, 1; PERIVENTRICULAR NODULAR HETEROTOPIA 1; X-linked periventricular heterotopia. Identifiers: Orphanet 2149, Orphanet 82004, MedGen C1848213, MONDO:0010233, OMIM 300049.
Melnick-Needles syndrome (MNS). Also called: Melnick-Needles Syndrome (FLNA-MNS); MELNICK-NEEDLES OSTEODYSPLASTY; OSTEODYSPLASTY OF MELNICK AND NEEDLES. Identifiers: Orphanet 2484, MedGen C0025237, MONDO:0010650, OMIM 309350.
Oto-palato-digital syndrome, type II (OPD2). Also called: Otopalatodigital Syndrome Type 2 (FLNA-OPD2); OPD II SYNDROME; FACIOPALATOOSSEOUS SYNDROME; Otopalatodigital Syndrome, Type II. Identifiers: Orphanet 669, Orphanet 90652, MedGen C1844696, MONDO:0010571, OMIM 304120.
Frontometaphyseal dysplasia (FMD1). Identifiers: Orphanet 1826, MedGen C0265293, MONDO:0015942.

Allele frequency attached by ClinVar (database versions not stated): TOPMed below 0.00001; gnomAD 0.00001; gnomAD exomes 0.00001.
gnomAD v4.1: 6 of 1,211,517 alleles (0.0005%); highest among the groups gnomAD compares: Non-Finnish European, 0.00067%; no homozygotes.

Submissions (3):

Labcorp Genetics (formerly Invitae), Labcorp
Classification: Uncertain significance for Oto-palato-digital syndrome, type II; Heterotopia, periventricular, X-linked dominant; Frontometaphyseal dysplasia; Melnick-Needles syndrome. Last evaluated: 2025-10-14. Review status: criteria provided, single submitter. Criteria: Invitae Variant Classification Sherloc (09022015). Collection method: clinical testing. Allele origin: germline.
Comment: This sequence change replaces proline, which is neutral and non-polar, with leucine, which is neutral and non-polar, at codon 2537 of the FLNA protein (p.Pro2537Leu). This variant is not present in population databases (gnomAD no frequency). This variant has not been reported in the literature in individuals affected with FLNA-related conditions. ClinVar contains an entry for this variant (Variation ID: 1493475). Invitae Evidence Modeling of protein sequence and biophysical properties (such as structural, functional, and spatial information, amino acid conservation, physicochemical variation, residue mobility, and thermodynamic stability) indicates that this missense variant is not expected to disrupt FLNA protein function with a negative predictive value of 95%. In summary, the available evidence is currently insufficient to determine the role of this variant in disease. Therefore, it has been classified as a Variant of Uncertain Significance.

Mayo Clinic Laboratories, Mayo Clinic
Classification: Uncertain significance. Last evaluated: 2025-03-10. Review status: criteria provided, single submitter. Criteria: ACMG Guidelines, 2015. Collection method: clinical testing. Allele origin: germline. Observed: 1 variant allele.
Comment: BP4, PP2, PM2_supporting

Blueprint Genetics
Classification: Uncertain significance. Last evaluated: 2021-09-24. Review status: criteria provided, single submitter. Criteria: ACMG Guidelines, 2015. Collection method: clinical testing. Allele origin: germline.

NM_001110556.2(FLNA):c.7634C>T (p.Pro2545Leu)

Genes: FLNA (filamin A; minus strand), LOC107988032 (Xq28 proximal FLNA-EMD recombination region; plus strand). Cytogenetic location: Xq28.
Variant type: single nucleotide variant.
Coding change: c.7634C>T on transcript NM_001110556.2 (MANE Select); coding-DNA position 7634, C replaced by T.
Protein change: p.Pro2545Leu; replaces proline 2545 with leucine.
Molecular consequence: missense variant.
Genome position (GRCh38, 1-based): chrX:154,349,484, G>A on the plus strand (C>T on the coding strand, the complement: FLNA is on the minus strand). VCF-style: chrX-154349484-G-A. GRCh37 (hg19) VCF-style: chrX-153577852-G-A.
Other names: p.Pro2537Leu; c.7610C>T, p.Pro2537Leu (NM_001456.4); c.7610C>T (NM_001456.3); short protein forms P2537L, P2545L.
Identifiers: ClinVar variation 1493475 (VCV001493475.8), dbSNP rs1377674951, ClinGen allele CA415180391.